The following is an entry in ClinVar:

ClinVar aggregate classification (germline): Likely benign. Review status: criteria provided, multiple submitters, no conflicts (2 of 4 stars). 3 submissions from 3 submitters: Likely benign (3). Last evaluated 2026-07-01.

Allele frequency attached by ClinVar (database versions not stated): TOPMed 0.00002.
gnomAD v4.1: 62 of 1,609,884 alleles (0.0039%); highest among the groups gnomAD compares: African/African-American, 0.0053%; no homozygotes.

Submissions (3):

CeGaT Center for Human Genetics Tuebingen
Classification: Likely benign. Last evaluated: 2026-07-01. Review status: criteria provided, single submitter. Criteria: CeGaT Center For Human Genetics Tuebingen Variant Classification Criteria Version 2. Collection method: clinical testing. Allele origin: germline. Affected: yes. Observed: 1 variant allele.
Comment: UNC13A: BP4, BP7

Mayo Clinic Laboratories, Mayo Clinic
Classification: Likely benign. Last evaluated: 2025-02-18. Review status: criteria provided, single submitter. Criteria: ACMG Guidelines, 2015. Collection method: clinical testing. Allele origin: germline. Observed: 1 variant allele.
Comment: BP4, BP7

Labcorp Genetics (formerly Invitae), Labcorp
Classification: Likely benign. Last evaluated: 2019-12-31. Review status: criteria provided, single submitter. Criteria: Invitae Variant Classification Sherloc (09022015). Collection method: clinical testing. Allele origin: germline.

NM_001080421.3(UNC13A):c.3930G>A (p.Pro1310=)

Gene: UNC13A (unc-13 homolog A; minus strand). Cytogenetic location: 19p13.11.
Variant type: single nucleotide variant.
Coding change: c.3930G>A on transcript NM_001080421.3 (MANE Select); coding-DNA position 3930, G replaced by A.
Protein change: p.Pro1310=; no amino-acid change (proline 1310 retained).
Molecular consequence: synonymous variant.
Genome position (GRCh38, 1-based): chr19:17,626,776, C>T on the plus strand (G>A on the coding strand, the complement: UNC13A is on the minus strand). VCF-style: chr19-17626776-C-T. GRCh37 (hg19) VCF-style: chr19-17737585-C-T.
Other names: p.Pro1310=; c.3924G>A, p.Pro1308= (NM_001387021.1, NM_001387023.1); c.3921G>A, p.Pro1307= (NM_001387022.1).
Identifiers: ClinVar variation 735713 (VCV000735713.7), dbSNP rs747744867, ClinGen allele CA9297870.
Genomic context (GRCh38, chr19:17,626,776, plus strand): 5'-GCCTGTGCCCTTAACCTGGCTAAGGATGTCACCCATCTGTTTGACACACTCTTCAATGTG[C>T]GGCTGGAAGCTGGGGACACAGAAGGGAAGGGCTCAGACCACAGGAAGGGCTGGATGAGGA-3'
Protein context (NP_001073890.2, residues 1300-1320): LSRVFATSFQ[Pro1310=]HIEECVKQMG